The following is an entry in ClinVar:

NM_001283009.2(RTEL1):c.2419C>A (p.Pro807Thr)

Genes: RTEL1 (regulator of telomere elongation helicase 1; plus strand), RTEL1-TNFRSF6B (RTEL1-TNFRSF6B readthrough (NMD candidate); plus strand). Cytogenetic location: 20q13.33.
Variant type: single nucleotide variant.
Coding change: c.2419C>A on transcript NM_001283009.2 (MANE Select); coding-DNA position 2419, C replaced by A.
Protein change: p.Pro807Thr; replaces proline 807 with threonine.
Molecular consequence: missense variant. On other transcripts: non-coding transcript variant (1).
Genome position (GRCh38, 1-based): chr20:63,690,810, C>A. VCF-style: chr20-63690810-C-A. GRCh37 (hg19) VCF-style: chr20-62322163-C-A.
Other names: c.1750C>A, p.Pro584Thr (NM_001283010.1); c.2419C>A, p.Pro807Thr (NM_016434.4); c.2491C>A, p.Pro831Thr (NM_032957.5); short protein forms P584T, P807T, P831T.
Identifiers: ClinVar variation 4060937 (VCV004060937.2).

ClinVar aggregate classification (germline): Uncertain significance. Review status: criteria provided, single submitter (1 of 4 stars). 2 submissions from 2 submitters: Uncertain significance (1). 1 of the submissions does not count toward it. Last evaluated 2026-06-14.

Conditions:
Inborn genetic diseases. Identifiers: MedGen C0950123, MeSH D030342.
Dyskeratosis congenita. Identifiers: Orphanet 1775, MedGen C0265965, MONDO:0015780.

gnomAD v4.1: 1 of 1,602,902 alleles (0.000062%); highest among the groups gnomAD compares: South Asian, 0.0011%; no homozygotes.

Submissions (2):

Ambry Genetics
Classification: Uncertain significance for Inborn genetic diseases. Last evaluated: 2026-06-14. Review status: criteria provided, single submitter. Criteria: Ambry Variant Classification Scheme 2023. Collection method: clinical testing. Allele origin: germline.
Comment: The p.P807T variant (also known as c.2419C>A), located in coding exon 26 of the RTEL1 gene, results from a C to A substitution at nucleotide position 2419. The proline at codon 807 is replaced by threonine, an amino acid with highly similar properties. This amino acid position is conserved. In addition, this alteration is predicted to be tolerated by in silico analysis. Based on the available evidence, the clinical significance of this variant remains unclear.

Natera, Inc.
Classification: Uncertain significance for Dyskeratosis congenita. Last evaluated: 2025-03-20. Review status: no assertion criteria provided. Collection method: clinical testing. Allele origin: germline. Not counted in ClinVar's aggregate classification.